The following is an entry in ClinVar:

NM_005422.4(TECTA):c.354del (p.Glu118fs)

Genes: TBCEL-TECTA (TBCEL-TECTA readthrough; plus strand), TECTA (tectorin alpha; plus strand). Cytogenetic location: 11q23.3.
Variant type: Deletion.
Coding change: c.354del on transcript NM_005422.4 (MANE Select); coding-DNA position 354, one base deleted (G; older notation c.354delG).
Protein change: p.Glu118fs; shifts the reading frame from glutamic acid 118.
Molecular consequence: frameshift variant.
Genome position (GRCh38, 1-based): chr11:121,109,366, G deleted. VCF-style (leftmost placement, unchanged base first): chr11-121109365-AG-A. GRCh37 (hg19) VCF-style: chr11-120980074-AG-A.
Other names: c.1311del, p.Glu437fs (NM_001378761.1); short protein forms E437fs, E118fs.
Identifiers: ClinVar variation 2093695 (VCV002093695.4), dbSNP rs2496891596, ClinGen allele CA2580083700.

ClinVar aggregate classification (germline): Pathogenic (1 of 4 stars; one submission).

Submission:

Labcorp Genetics (formerly Invitae), Labcorp
Classification: Pathogenic. Last evaluated: 2022-02-06. Review status: criteria provided, single submitter. Criteria: Invitae Variant Classification Sherloc (09022015). Collection method: clinical testing. Allele origin: germline.
Comment: For these reasons, this variant has been classified as Pathogenic. This variant has not been reported in the literature in individuals affected with TECTA-related conditions. This variant is not present in population databases (gnomAD no frequency). This sequence change creates a premature translational stop signal (p.Glu118Aspfs*5) in the TECTA gene. It is expected to result in an absent or disrupted protein product. Loss-of-function variants in TECTA are known to be pathogenic (PMID: 11087000, 12746400, 17431902, 24130743).

Literature cited by the submitters: PubMed 11087000; PubMed 12746400; PubMed 17431902; PubMed 24130743.